The following is an entry in ClinVar:

ClinVar aggregate classification (germline): Uncertain significance. Review status: criteria provided, multiple submitters, no conflicts (2 of 4 stars). 2 submissions from 2 submitters: Uncertain significance (2). Last evaluated 2025-10-03.

Conditions:
Inborn genetic diseases. Identifiers: MedGen C0950123, MeSH D030342.

Allele frequency attached by ClinVar (database versions not stated): gnomAD exomes below 0.00001 and 0.00001; ExAC 0.00001; gnomAD 0.00007 and 0.00009; ESP Exome Variant Server 0.00008; TOPMed 0.00013.
gnomAD v4.1: 24 of 1,614,058 alleles (0.0015%); highest among the groups gnomAD compares: African/African-American, 0.021%; no homozygotes.

Submissions (2):

Labcorp Genetics (formerly Invitae), Labcorp
Classification: Uncertain significance. Last evaluated: 2025-10-03. Review status: criteria provided, single submitter. Criteria: Invitae Variant Classification Sherloc (09022015). Collection method: clinical testing. Allele origin: germline.
Comment: This sequence change replaces isoleucine, which is neutral and non-polar, with threonine, which is neutral and polar, at codon 164 of the STN1 protein (p.Ile164Thr). This variant is present in population databases (rs373452798, gnomAD 0.02%). This variant has not been reported in the literature in individuals affected with STN1-related conditions. ClinVar contains an entry for this variant (Variation ID: 1358318). Invitae Evidence Modeling of protein sequence and biophysical properties (such as structural, functional, and spatial information, amino acid conservation, physicochemical variation, residue mobility, and thermodynamic stability) indicates that this missense variant is expected to disrupt STN1 protein function with a positive predictive value of 80%. In summary, the available evidence is currently insufficient to determine the role of this variant in disease. Therefore, it has been classified as a Variant of Uncertain Significance.

Ambry Genetics
Classification: Uncertain significance for Inborn genetic diseases. Last evaluated: 2021-08-02. Review status: criteria provided, single submitter. Criteria: Ambry Variant Classification Scheme 2023. Collection method: clinical testing. Allele origin: germline.

NM_024928.5(STN1):c.491T>C (p.Ile164Thr)

Gene: STN1 (STN1 subunit of CST complex; minus strand). Cytogenetic location: 10q24.33.
Variant type: single nucleotide variant.
Coding change: c.491T>C on transcript NM_024928.5 (MANE Select); coding-DNA position 491, T replaced by C.
Protein change: p.Ile164Thr; replaces isoleucine 164 with threonine.
Molecular consequence: missense variant.
Genome position (GRCh38, 1-based): chr10:103,898,967, A>G on the plus strand (T>C on the coding strand, the complement: STN1 is on the minus strand). VCF-style: chr10-103898967-A-G. GRCh37 (hg19) VCF-style: chr10-105658725-A-G.
Other names: c.491T>C (NM_024928.4); short protein forms I164T.
Identifiers: ClinVar variation 1358318 (VCV001358318.5), dbSNP rs373452798, ClinGen allele CA5676600.